The following is an entry in ClinVar:

NM_001005242.3(PKP2):c.2427G>A (p.Leu809=)

Gene: PKP2 (plakophilin 2; minus strand). Cytogenetic location: 12p11.21.
Variant type: single nucleotide variant.
Coding change: c.2427G>A on transcript NM_001005242.3 (MANE Select); coding-DNA position 2427, G replaced by A.
Protein change: p.Leu809=; no amino-acid change (leucine 809 retained).
Molecular consequence: synonymous variant. On other transcripts: missense variant (2).
Genome position (GRCh38, 1-based): chr12:32,792,662, C>T on the plus strand (G>A on the coding strand, the complement: PKP2 is on the minus strand). VCF-style: chr12-32792662-C-T. GRCh37 (hg19) VCF-style: chr12-32945596-C-T.
Other names: c.2237G>A, p.Cys746Tyr (NM_001407155.1); c.2262G>A, p.Leu754= (NM_001407156.1); c.2100G>A, p.Leu700= (NM_001407158.1, NM_001407159.1); c.1910G>A, p.Cys637Tyr (NM_001407160.1); c.2559G>A, p.Leu853= (NM_004572.4); short protein forms C746Y, C637Y.
Identifiers: ClinVar variation 2154307 (VCV002154307.5), dbSNP rs1565571025, ClinGen allele CA479170474.
Genomic context (GRCh38, chr12:32,792,662, plus strand): 5'-TGGCTCTGTTAACTATGACACATTCCTTGTTCATGTTCTTACCTTCTTGTAGGCATGATG[C>T]AGTTCCGTGTGTGCCCACAGAGAATACAGAAGGACGGAAGCAGCTTTACTTGCTTTGTTG-3'
Protein context (NP_001005242.2, residues 799-819): LLYSLWAHTE[Leu809=]HHAYKKAQFK

ClinVar aggregate classification (germline): Likely benign. Review status: criteria provided, multiple submitters, no conflicts (2 of 4 stars). 2 submissions from 2 submitters: Likely benign (2). Last evaluated 2024-07-29.

Conditions:
Arrhythmogenic right ventricular dysplasia 9 (ARVD9). Also called: ARRHYTHMOGENIC RIGHT VENTRICULAR DYSPLASIA, FAMILIAL, 9; Arrhythmogenic Right Ventricular Dysplasia/Cardiomyopathy 9. Identifiers: MedGen C1836906, MONDO:0012180, OMIM 609040.
Arrhythmogenic right ventricular cardiomyopathy (ARVD). Also called: Arrhythmogenic right ventricular dysplasia; Cardiomyopathy, ARVC; Arrhythmogenic cardiomyopathy; Arrhythmogenic Right Ventricular Cardiomyopathy (ARVC). Identifiers: Orphanet 247, MedGen C0349788, MeSH D019571, MONDO:0016587. Disease mechanism: loss of function. Inheritance: Various modes of inheritance.

Allele frequency attached by ClinVar (database versions not stated): gnomAD exomes below 0.00001; TOPMed below 0.00001.
gnomAD v4.1: 3 of 1,613,788 alleles (0.00019%); highest among the groups gnomAD compares: Admixed American, 0.0017%; no homozygotes.

Submissions (2):

All of Us Research Program, National Institutes of Health
Classification: Likely benign for Arrhythmogenic right ventricular cardiomyopathy. Last evaluated: 2024-07-29. Review status: criteria provided, single submitter. Criteria: ACMG Guidelines, 2015. Collection method: clinical testing. Allele origin: germline. Inheritance: Autosomal dominant inheritance. Observed: 1 variant allele, 1 heterozygote.
Comment: This study involves interpretation of variants in research participants for the purpose of population health screening. Participant phenotype was not available at the time of variant classification. Additional details can be found in publication PMID: 35346344, PMCID: PMC8962531

Labcorp Genetics (formerly Invitae), Labcorp
Classification: Likely benign for Arrhythmogenic right ventricular dysplasia 9. Last evaluated: 2022-03-31. Review status: criteria provided, single submitter. Criteria: Invitae Variant Classification Sherloc (09022015). Collection method: clinical testing. Allele origin: germline.